The following is an entry in ClinVar:

ClinVar aggregate classification (germline): Pathogenic. Review status: criteria provided, multiple submitters, no conflicts (2 of 4 stars). 2 submissions from 2 submitters: Pathogenic (2). Last evaluated 2024-03-06.

Conditions:
Leber congenital amaurosis 13 (LCA13). Identifiers: MedGen C2675186, MONDO:0012990, OMIM 612712.

Allele frequency attached by ClinVar (database versions not stated): TOPMed below 0.00001; gnomAD 0.00001.

Submissions (2):

Baylor Genetics
Classification: Pathogenic for Leber congenital amaurosis 13. Last evaluated: 2024-03-06. Review status: criteria provided, single submitter. Criteria: ACMG Guidelines, 2015. Collection method: clinical testing. Allele origin: unknown.

Labcorp Genetics (formerly Invitae), Labcorp
Classification: Pathogenic for Leber congenital amaurosis 13. Last evaluated: 2023-10-29. Review status: criteria provided, single submitter. Criteria: Invitae Variant Classification Sherloc (09022015). Collection method: clinical testing. Allele origin: germline.
Comment: This sequence change creates a premature translational stop signal (p.Ile183Phefs*95) in the RDH12 gene. While this is not anticipated to result in nonsense mediated decay, it is expected to disrupt the last 134 amino acid(s) of the RDH12 protein. This variant is present in population databases (no rsID available, gnomAD 0.0009%). This variant has not been reported in the literature in individuals affected with RDH12-related conditions. ClinVar contains an entry for this variant (Variation ID: 1970808). This variant disrupts a region of the RDH12 protein in which other variant(s) (p.Trp304*) have been determined to be pathogenic (PMID: 20736127, 24625443). This suggests that this is a clinically significant region of the protein, and that variants that disrupt it are likely to be disease-causing. For these reasons, this variant has been classified as Pathogenic.

Literature cited by the submitters: PubMed 20736127 (cited by Labcorp Genetics (formerly Invitae), Labcorp); PubMed 24625443 (cited by Labcorp Genetics (formerly Invitae), Labcorp).

NM_152443.3(RDH12):c.546del (p.Ile183fs)

Genes: GPHN (gephyrin; plus strand), RDH12 (retinol dehydrogenase 12; plus strand). Cytogenetic location: 14q24.1.
Variant type: Deletion.
Coding change: c.546del on transcript NM_152443.3 (MANE Select); coding-DNA position 546, one base deleted (G; older notation c.546delG).
Protein change: p.Ile183fs; shifts the reading frame from isoleucine 183.
Molecular consequence: frameshift variant.
Genome position (GRCh38, 1-based): chr14:67,727,078, G deleted. VCF-style (leftmost placement, unchanged base first): chr14-67727077-AG-A. GRCh37 (hg19) VCF-style: chr14-68193794-AG-A.
Other names: short protein forms I183fs.
Identifiers: ClinVar variation 1970808 (VCV001970808.7), dbSNP rs1342290111, ClinGen allele CA615188323.